The following is an entry in ClinVar:

ClinVar aggregate classification (germline): Conflicting classifications of pathogenicity. Review status: criteria provided, conflicting classifications (1 of 4 stars). 3 submissions from 3 submitters: Likely pathogenic (1); Uncertain significance (2). Last evaluated 2026-03-23.

Conditions:
Autosomal recessive severe congenital neutropenia due to CSF3R deficiency. Also called: Neutropenia, severe congenital, 7, autosomal recessive. Identifiers: Orphanet 420702, MedGen C4310764, MONDO:0014865, OMIM 617014.
Inborn genetic diseases. Identifiers: MedGen C0950123, MeSH D030342.

Submissions (3):

Ambry Genetics
Classification: Uncertain significance for Inborn genetic diseases. Last evaluated: 2026-03-23. Review status: criteria provided, single submitter. Criteria: Ambry Variant Classification Scheme 2023. Collection method: clinical testing. Allele origin: germline.

Genomic Medicine Center of Excellence, King Faisal Specialist Hospital and Research Centre
Classification: Likely pathogenic for Autosomal recessive severe congenital neutropenia due to CSF3R deficiency. Last evaluated: 2025-09-10. Review status: criteria provided, single submitter. Criteria: ACMG Guidelines, 2015. Collection method: clinical testing. Allele origin: germline.

Labcorp Genetics (formerly Invitae), Labcorp
Classification: Uncertain significance for Autosomal recessive severe congenital neutropenia due to CSF3R deficiency. Last evaluated: 2024-03-07. Review status: criteria provided, single submitter. Criteria: Invitae Variant Classification Sherloc (09022015). Collection method: clinical testing. Allele origin: germline.
Comment: This sequence change replaces methionine, which is neutral and non-polar, with valine, which is neutral and non-polar, at codon 222 of the CSF3R protein (p.Met222Val). This variant is not present in population databases (gnomAD no frequency). This variant has not been reported in the literature in individuals affected with CSF3R-related conditions. ClinVar contains an entry for this variant (Variation ID: 1000996). Advanced modeling of protein sequence and biophysical properties (such as structural, functional, and spatial information, amino acid conservation, physicochemical variation, residue mobility, and thermodynamic stability) performed at Invitae indicates that this missense variant is not expected to disrupt CSF3R protein function with a negative predictive value of 80%. In summary, the available evidence is currently insufficient to determine the role of this variant in disease. Therefore, it has been classified as a Variant of Uncertain Significance.

NM_000760.4(CSF3R):c.664A>G (p.Met222Val)

Gene: CSF3R (colony stimulating factor 3 receptor; minus strand). Cytogenetic location: 1p34.3.
Variant type: single nucleotide variant.
Coding change: c.664A>G on transcript NM_000760.4 (MANE Select); coding-DNA position 664, A replaced by G.
Protein change: p.Met222Val; replaces methionine 222 with valine.
Molecular consequence: missense variant.
Genome position (GRCh38, 1-based): chr1:36,473,444, T>C on the plus strand (A>G on the coding strand, the complement: CSF3R is on the minus strand). VCF-style: chr1-36473444-T-C. GRCh37 (hg19) VCF-style: chr1-36939045-T-C.
Other names: c.664A>G, p.Met222Val (NM_156039.3, NM_172313.3); c.664A>G (NM_000760.3); short protein forms M222V.
Identifiers: ClinVar variation 1000996 (VCV001000996.8), dbSNP rs1650909656, ClinGen allele CA339423529.
Genomic context (GRCh38, chr1:36,473,444, plus strand): 5'-TCTCAGTGTCTGCCCATTTTGGGGATCCCCTCCCTCCCCTGCATCACCCACCAACATCCA[T>C]GGGATCAAGACACAGTTGTGGGGACATGCTGGTCCCCAGCGCATTCTCTGCCTGCACCCA-3'
Protein context (NP_000751.1, residues 212-232): SMSPQLCLDP[Met222Val]DVVKLEPPML